The following is an entry in ClinVar:

ClinVar aggregate classification (germline): Uncertain significance (1 of 4 stars; one submission).

Submission:

Mayo Clinic Laboratories, Mayo Clinic
Classification: Uncertain significance. Last evaluated: 2024-12-28. Review status: criteria provided, single submitter. Criteria: ACMG Guidelines, 2015. Collection method: clinical testing. Allele origin: germline. Observed: 1 variant allele.
Comment: PM4

NM_004984.4(KIF5A):c.1690_1692del (p.Ile564del)

Gene: KIF5A (kinesin family member 5A; plus strand). Cytogenetic location: 12q13.3.
Variant type: Deletion.
Coding change: c.1690_1692del on transcript NM_004984.4 (MANE Select); coding-DNA positions 1690 to 1692, 3 bases deleted (ATT; older notation c.1690_1692delATT).
Protein change: p.Ile564del; deletes isoleucine 564.
Molecular consequence: inframe deletion.
Genome position (GRCh38, 1-based): chr12:57,572,700-57,572,702, ATT deleted. VCF-style (leftmost placement, unchanged base first): chr12-57572699-CATT-C. GRCh37 (hg19) VCF-style: chr12-57966482-CATT-C.
Other names: p.Ile564del; c.1423_1425del, p.Ile475del (NM_001354705.2); short protein forms I564del, I475del.
Identifiers: ClinVar variation 4541725 (VCV004541725.1).